The following is an entry in ClinVar:

NC_000006.12:g.31593133C>G

Gene: NCR3 (natural cytotoxicity triggering receptor 3; minus strand). Cytogenetic location: 6p21.33.
Variant type: single nucleotide variant.
Genome position: GRCh38 VCF-style: chr6-31593133-C-G. GRCh37 (hg19) VCF-style: chr6-31560910-C-G.
Other names: -412G-C, 5-PRIME UTR.
Identifiers: ClinVar variation 876 (VCV000000876.5), dbSNP rs2736191, ClinGen allele CA114599.

ClinVar aggregate classification (germline): Pathogenic; risk factor. Review status: no assertion criteria provided (0 of 4 stars). 2 submissions from 2 submitters: Pathogenic (1). Last evaluated 2022-12-06.

Conditions:
Malaria, severe, susceptibility to. Identifiers: MedGen C1970029.
Malaria, mild, susceptibility to (MALS). Identifiers: MedGen C1836721, MONDO:0012202, OMIM 609148.

Allele frequency attached by ClinVar (database versions not stated): gnomAD 0.13054 and 0.12851; 1000 Genomes Project 0.22823; 1000 Genomes Project 30x 0.23189; gnomAD exomes 0.07998; TOPMed 0.14673.

Submissions (2):

Center for Global Health, University of New Mexico Health Sciences Center, University of New Mexico
Classification: Pathogenic for Malaria, severe, susceptibility to. Last evaluated: 2022-12-06. Review status: no assertion criteria provided. Collection method: research. Allele origin: germline. Affected: yes. Observed: 753 variant alleles.
Comment: CC is wild type in the Luo (Kenya) population, GG is homozygous mutant. Additive model of inheritance shows increased susceptibility to longitudinal (over 36 months) severe malarial anemia (Hb<5.0 g/dL with any density Plasmodium falciparum parasitemia) in children <48 months of age.

OMIM
Classification: risk factor for MALARIA, MILD, SUSCEPTIBILITY TO. Last evaluated: 2007-02-01. Review status: no assertion criteria provided. Collection method: literature only. Allele origin: germline.

Literature cited by the submitters: PubMed 17208487 (cited by OMIM).